The following is an entry in ClinVar:

GRCh38/hg38 Xp22.31(chrX:7860124-8423970)x3

Genes: MIR651 (microRNA 651; plus strand), PNPLA4 (patatin like phospholipase domain containing 4; minus strand), VCX2 (variable charge X-linked 2; minus strand), LOC106029241 (S232-VCX2 recombination region; plus strand), LOC121627957 (Sharpr-MPRA regulatory region 2843; plus strand) and 7 more. Cytogenetic location: Xp22.31.
Variant type: copy number gain.
Change: copy number 3 of chrX:7,860,124-8,423,970 (563.8 kb, GRCh38 coordinates, 1-based), cytogenetic band Xp22.31.
Identifiers: ClinVar variation 160865 (VCV000160865.2).

ClinVar aggregate classification (germline): Uncertain significance (0 of 4 stars; one submission).

Submission:

ISCA site 1
Classification: Uncertain significance. Last evaluated: 2011-05-06. Review status: no assertion criteria provided. Collection method: clinical testing. Allele origin: maternal. Affected: yes. Observed: 1 variant allele.
Comment: Copy number variation identified through the course of routine clinical cytogenomic testing in postnatal populations. Clinical assertions have been curated as described in Kaminsky et al. 2011.

Copy number variation identified through the course of routine clinical cytogenomic testing in postnatal populations. Clinical assertions have been curated as described in Kaminsky, et al. 2011 (PubMed 21844811). For additional ClinGen data, please see nstd37.